The following is an entry in ClinVar:

ClinVar aggregate classification (germline): Uncertain significance (1 of 4 stars; one submission).

Submission:

GeneDx
Classification: Uncertain significance. Last evaluated: 2024-01-18. Review status: criteria provided, single submitter. Criteria: GeneDx Variant Classification Process June 2021. Collection method: clinical testing. Allele origin: germline. Affected: yes.
Comment: Has not been previously published as pathogenic or benign to our knowledge; Not observed at significant frequency in large population cohorts (gnomAD); In silico analysis supports that this missense variant does not alter protein structure/function; In silico analysis is inconclusive as to whether the variant alters gene splicing. In the absence of RNA/functional studies, the actual effect of this sequence change is unknown.

NM_004984.4(KIF5A):c.2091G>C (p.Lys697Asn)

Gene: KIF5A (kinesin family member 5A; plus strand). Cytogenetic location: 12q13.3.
Variant type: single nucleotide variant.
Coding change: c.2091G>C on transcript NM_004984.4 (MANE Select); coding-DNA position 2091, G replaced by C.
Protein change: p.Lys697Asn; replaces lysine 697 with asparagine.
Molecular consequence: missense variant.
Genome position (GRCh38, 1-based): chr12:57,576,271, G>C. VCF-style: chr12-57576271-G-C. GRCh37 (hg19) VCF-style: chr12-57970054-G-C.
Other names: c.1824G>C, p.Lys608Asn (NM_001354705.2); short protein forms K608N, K697N.
Identifiers: ClinVar variation 3368027 (VCV003368027.1).